The following is an entry in ClinVar:

ClinVar aggregate classification (germline): Pathogenic/Likely pathogenic. Review status: criteria provided, multiple submitters, no conflicts (2 of 4 stars). 8 submissions from 8 submitters: Pathogenic (1); Likely pathogenic (6). 1 of the submissions does not count toward it. Last evaluated 2026-09-18.

Conditions:
PCBD1-related disorders.
Pterin-4 alpha-carbinolamine dehydratase 1 deficiency. Also called: Hyperphenylalaninemia due to dehydratase deficiency; CADH DEFICIENCY; HYPERPHENYLALANINEMIA WITH PRIMAPTERINURIA; HYPERPHENYLALANINEMIA, TETRAHYDROBIOPTERIN-DEFICIENT, DUE TO PTERIN-4-ALPHA-CARBINOLAMINE DEHYDRATASE DEFICIENCY. Identifiers: Orphanet 1578, Orphanet 238583, MedGen C1849700, MONDO:0009908, OMIM 264070.

Allele frequency attached by ClinVar (database versions not stated): ExAC 0.00013; 1000 Genomes Project 0.00020; gnomAD 0.00014; TOPMed 0.00016; 1000 Genomes Project 30x 0.00031; gnomAD exomes 0.00014.
gnomAD v4.1: 318 of 1,614,068 alleles (0.02%); highest among the groups gnomAD compares: Non-Finnish European, 0.026%; no homozygotes.

Submissions (8):

GeneDx
Classification: Likely pathogenic. Last evaluated: 2026-09-18. Review status: criteria provided, single submitter. Criteria: GeneDx Variant Classification Process June 2021. Collection method: clinical testing. Allele origin: germline.
Comment: Nonsense variant predicted to result in protein truncation as the last 7 amino acids are lost; Published functional studies suggest this variant is unable to drive transcriptional co-activation in conjunction with HNF1b (PMID: 24204001); Also known as Q97*; This variant is associated with the following publications: (PMID: 31589614, 33903016, 9585615, 31980526, 24204001, 25087612, 36208030, 35281663, 24848070)

Labcorp Genetics (formerly Invitae), Labcorp
Classification: Likely pathogenic for Pterin-4 alpha-carbinolamine dehydratase 1 deficiency. Last evaluated: 2026-01-13. Review status: criteria provided, single submitter. Criteria: Invitae Variant Classification Sherloc (09022015). Collection method: clinical testing. Allele origin: germline.
Comment: This sequence change creates a premature translational stop signal (p.Gln98*) in the PCBD1 gene. While this is not anticipated to result in nonsense mediated decay, it is expected to disrupt the last 7 amino acid(s) of the PCBD1 protein. This variant is present in population databases (rs121913015, gnomAD 0.02%). This premature translational stop signal has been observed in individuals with clinical features of tetrahydrobiopterin-deficient hyperphenylalaninemia (PMID: 24204001). This variant is also known as Q97X. ClinVar contains an entry for this variant (Variation ID: 16799). Algorithms developed to predict the effect of variants on gene product structure and function are not available or were not evaluated for this variant. Experimental studies have shown that this premature translational stop signal affects PCBD1 function (PMID: 24204001). Algorithms developed to predict the effect of sequence changes on RNA splicing suggest that this variant may disrupt the consensus splice site. In summary, the currently available evidence indicates that the variant is pathogenic, but additional data are needed to prove that conclusively. Therefore, this variant has been classified as Likely Pathogenic.

Blueprint Genetics
Classification: Likely pathogenic for PCBD1-related disorders. Last evaluated: 2024-11-19. Review status: criteria provided, single submitter. Criteria: ACMG Guidelines, 2015. Collection method: clinical testing. Allele origin: germline. Affected: yes. Observed: 5 variant alleles.

Fulgent Genetics
Classification: Pathogenic for Pterin-4 alpha-carbinolamine dehydratase 1 deficiency. Last evaluated: 2024-04-04. Review status: criteria provided, single submitter. Criteria: ACMG Guidelines, 2015. Collection method: clinical testing. Allele origin: germline.

Revvity Omics, Revvity
Classification: Likely pathogenic for Pterin-4 alpha-carbinolamine dehydratase 1 deficiency. Last evaluated: 2024-03-27. Review status: criteria provided, single submitter. Criteria: ACMG Guidelines, 2015. Collection method: clinical testing. Allele origin: germline.

Department of Pathology and Laboratory Medicine, Sinai Health System
Classification: Likely pathogenic for Pterin-4 alpha-carbinolamine dehydratase 1 deficiency. Last evaluated: 2023-04-21. Review status: criteria provided, single submitter. Criteria: ACMG Guidelines, 2015. Collection method: research. Allele origin: germline.

Laboratory for Molecular Medicine, Mass General Brigham Personalized Medicine
Classification: Likely pathogenic for Pterin-4 alpha-carbinolamine dehydratase 1 deficiency. Last evaluated: 2023-01-18. Review status: criteria provided, single submitter. Criteria: ACMG Guidelines, 2015. Collection method: clinical testing. Allele origin: germline. Inheritance: Autosomal recessive inheritance.
Comment: The p.Gln98X variant in PCBD1 (also reported in literature as p.Gln97X) has been reported in 3 homozygous individuals and 2 compound heterozygous individuals with hyperphenylalaninemia, two of which were also reported to have early onset diabetes (Thony 1998 PMID: 9585615, Ferré 2014 PMID: 24204001, Simaite 2014 PMID: 24848070). It has also been identified in 0.023% (30/129080) of European chromosomes by gnomAD and has been reported in ClinVar (Variation ID 16799). This nonsense variant leads to a premature termination codon at position 98. This alteration occurs within the last exon and is, therefore, likely to escape nonsense mediated decay (NMD) and result in a truncated protein. However, in vitro functional studies suggest that this variant impacts protein expression or function (Thony 1998 PMID: 9585615, Ferré 2014 PMID: 24204001). In summary, although additional studies are required to fully establish its clinical significance, this variant meets criteria to be classified as likely pathogenic for autosomal recessive tetrahydrobiopterin deficiency. ACMG/AMP Criteria applied: PVS1_Moderate, PM3, PS3_Supporting, PM2_Supporting.

OMIM
Classification: Pathogenic for HYPERPHENYLALANINEMIA, BH4-DEFICIENT, D. Last evaluated: 2014-10-01. Review status: no assertion criteria provided. Collection method: literature only. Allele origin: germline. Not counted in ClinVar's aggregate classification.

Literature cited by the submitters: PubMed 24204001 (cited by Labcorp Genetics (formerly Invitae), Labcorp and Laboratory for Molecular Medicine, Mass General Brigham Personalized Medicine); PubMed 9585615 (cited by Laboratory for Molecular Medicine, Mass General Brigham Personalized Medicine and OMIM); PubMed 24848070 (cited by Laboratory for Molecular Medicine, Mass General Brigham Personalized Medicine and OMIM).

NM_000281.4(PCBD1):c.292C>T (p.Gln98Ter)

Gene: PCBD1 (pterin-4 alpha-carbinolamine dehydratase 1; minus strand). Cytogenetic location: 10q22.1.
Variant type: single nucleotide variant.
Coding change: c.292C>T on transcript NM_000281.4 (MANE Select); coding-DNA position 292, C replaced by T.
Protein change: p.Gln98Ter; replaces glutamine 98 with a stop codon.
Molecular consequence: nonsense. On other transcripts: intron variant (1).
Genome position (GRCh38, 1-based): chr10:70,883,973, G>A on the plus strand (C>T on the coding strand, the complement: PCBD1 is on the minus strand). VCF-style: chr10-70883973-G-A. GRCh37 (hg19) VCF-style: chr10-72643730-G-A.
Other names: c.145C>T, p.Gln49Ter (NM_001289797.2); c.216+1179C>T (NM_001323004.2); short protein forms Q98*, Q49*.
Identifiers: ClinVar variation 16799 (VCV000016799.21), dbSNP rs121913015, ClinGen allele CA278140.